The following is an entry in ClinVar:

ClinVar aggregate classification (germline): Uncertain significance (1 of 4 stars; one submission).

Submission:

Labcorp Genetics (formerly Invitae), Labcorp
Classification: Uncertain significance. Last evaluated: 2024-06-01. Review status: criteria provided, single submitter. Criteria: Invitae Variant Classification Sherloc (09022015). Collection method: clinical testing. Allele origin: germline.
Comment: This sequence change replaces methionine, which is neutral and non-polar, with valine, which is neutral and non-polar, at codon 638 of the HSPG2 protein (p.Met638Val). Information on the frequency of this variant in the gnomAD database is not available, as this variant may be reported differently in the database. This variant has not been reported in the literature in individuals affected with HSPG2-related conditions. ClinVar contains an entry for this variant (Variation ID: 1487980). Experimental studies and prediction algorithms are not available or were not evaluated, and the functional significance of this variant is currently unknown. In summary, the available evidence is currently insufficient to determine the role of this variant in disease. Therefore, it has been classified as a Variant of Uncertain Significance.

NM_005529.7(HSPG2):c.1911_1912inv (p.Met638Val)

Gene: HSPG2 (heparan sulfate proteoglycan 2; minus strand). Cytogenetic location: 1p36.12.
Variant type: Inversion.
Coding change: c.1911_1912inv on transcript NM_005529.7 (MANE Select).
Protein change: p.Met638Val; replaces methionine 638 with valine.
Molecular consequence: missense variant.
Genome position: GRCh38 VCF-style: chr1-21880742-TG-CA. GRCh37 (hg19) VCF-style: chr1-22207235-TG-CA.
Other names: c.1914_1915inv, p.Met639Val (NM_001291860.2); short protein forms M638V, M639V.
Identifiers: ClinVar variation 1487980 (VCV001487980.5), ClinGen allele CA2573132182.